The following is an entry in ClinVar:

NM_001098672.2(HEPHL1):c.3228C>T (p.Ser1076=)

Gene: HEPHL1 (hephaestin like 1; plus strand). Cytogenetic location: 11q21.
Variant type: single nucleotide variant.
Coding change: c.3228C>T on transcript NM_001098672.2 (MANE Select); coding-DNA position 3228, C replaced by T.
Protein change: p.Ser1076=; no amino-acid change (serine 1076 retained).
Molecular consequence: synonymous variant.
Genome position (GRCh38, 1-based): chr11:94,111,556, C>T. VCF-style: chr11-94111556-C-T. GRCh37 (hg19) VCF-style: chr11-93844722-C-T.
Identifiers: ClinVar variation 3056451 (VCV003056451.2), dbSNP rs76467816, ClinGen allele CA6233781.
Genomic context (GRCh38, chr11:94,111,556, plus strand): 5'-TCTGTTGTTAATAAAACAATGAACTTGTTTTCTTTGTGCAGACAACAGGATTCCTTACTC[C>T]ACCACATCTCCTGGAGTGGCATCTCACCCAGCCACGGTGCCATCTAACGGTAATGATACC-3'
Protein context (NP_001092142.1, residues 1066-1086): LRNIDNRIPY[Ser1076=]TTSPGVASHP

ClinVar aggregate classification (germline): Benign (0 of 4 stars; one submission).

Conditions:
HEPHL1-related disorder. Also called: HEPHL1-related condition.

Allele frequency attached by ClinVar (database versions not stated): gnomAD exomes 0.00230; ExAC 0.01269; gnomAD 0.02455; ESP Exome Variant Server 0.02523; TOPMed 0.02790; 1000 Genomes Project 0.02935; 1000 Genomes Project 30x 0.02967.

Submission:

PreventionGenetics, part of Exact Sciences
Classification: Benign for HEPHL1-related condition. Last evaluated: 2020-01-02. Review status: no assertion criteria provided. Collection method: clinical testing. Allele origin: germline.
Comment: This variant is classified as benign based on ACMG/AMP sequence variant interpretation guidelines (Richards et al. 2015 PMID: 25741868, with internal and published modifications).